The following is an entry in ClinVar:

ClinVar aggregate classification (germline): Conflicting classifications of pathogenicity. Review status: criteria provided, conflicting classifications (1 of 4 stars). 6 submissions from 5 submitters: Uncertain significance (2); Likely benign (3). 1 of the submissions does not count toward it. Last evaluated 2026-02-01.

Conditions:
Junctional epidermolysis bullosa gravis of Herlitz. Also called: Epidermolysis Bullosa Letalis; EPIDERMOLYSIS BULLOSA JUNCTIONALIS, HERLITZ TYPE; EPIDERMOLYSIS BULLOSA, JUNCTIONAL, HERLITZ-PEARSON TYPE; JEB-HERLITZ TYPE; EPIDERMOLYSIS BULLOSA, JUNCTIONAL 1B, SEVERE; Herlitz-type junctional epidermolysis bullosa. Identifiers: Orphanet 79404, MedGen C0079683, MONDO:0009182, OMIM 226700.
Laryngo-onycho-cutaneous syndrome (JEB2C). Also called: LOGIC SYNDROME; SHABBIR SYNDROME; EPIDERMOLYSIS BULLOSA, JUNCTIONAL 2C, LARYNGOONYCHOCUTANEOUS. Identifiers: Orphanet 2407, MedGen C1328355, MONDO:0009513, OMIM 245660.
LAMA3-related disorder. Also called: LAMA3-related disorders; LAMA3-related condition.

Allele frequency attached by ClinVar (database versions not stated): TOPMed 0.00022; gnomAD exomes 0.00030 and 0.00038; gnomAD 0.00031 and 0.00033; ExAC 0.00046; ESP Exome Variant Server 0.00054.
gnomAD v4.1: 481 of 1,613,830 alleles (0.03%); highest among the groups gnomAD compares: Middle Eastern, 0.05%; no homozygotes.

Submissions (6):

CeGaT Center for Human Genetics Tuebingen
Classification: Likely benign. Last evaluated: 2026-02-01. Review status: criteria provided, single submitter. Criteria: CeGaT Center For Human Genetics Tuebingen Variant Classification Criteria Version 2. Collection method: clinical testing. Allele origin: germline. Affected: yes. Observed: 1 variant allele.
Comment: LAMA3: BP4, BP7

Labcorp Genetics (formerly Invitae), Labcorp
Classification: Likely benign. Last evaluated: 2026-01-11. Review status: criteria provided, single submitter. Criteria: Invitae Variant Classification Sherloc (09022015). Collection method: clinical testing. Allele origin: germline.

Blueprint Genetics
Classification: Likely benign. Last evaluated: 2024-10-23. Review status: criteria provided, single submitter. Criteria: ACMG Guidelines, 2015. Collection method: clinical testing. Allele origin: germline.

Illumina Laboratory Services, Illumina
Classification: Uncertain significance for Junctional epidermolysis bullosa gravis of Herlitz. Last evaluated: 2018-01-13. Review status: criteria provided, single submitter. Criteria: ICSL Variant Classification Criteria 13 December 2019. Collection method: clinical testing. Allele origin: germline.

Illumina Laboratory Services, Illumina
Classification: Uncertain significance for Laryngo-onycho-cutaneous syndrome. Last evaluated: 2018-01-13. Review status: criteria provided, single submitter. Criteria: ICSL Variant Classification Criteria 13 December 2019. Collection method: clinical testing. Allele origin: germline.

PreventionGenetics, part of Exact Sciences
Classification: Likely benign for LAMA3-related condition. Last evaluated: 2024-02-26. Review status: no assertion criteria provided. Collection method: clinical testing. Allele origin: germline. Not counted in ClinVar's aggregate classification.
Comment: This variant is classified as likely benign based on ACMG/AMP sequence variant interpretation guidelines (Richards et al. 2015 PMID: 25741868, with internal and published modifications).

NM_198129.4(LAMA3):c.7740A>G (p.Thr2580=)

Gene: LAMA3 (laminin subunit alpha 3; plus strand). Cytogenetic location: 18q11.2.
Variant type: single nucleotide variant.
Coding change: c.7740A>G on transcript NM_198129.4 (MANE Select); coding-DNA position 7740, A replaced by G.
Protein change: p.Thr2580=; no amino-acid change (threonine 2580 retained).
Molecular consequence: synonymous variant.
Genome position (GRCh38, 1-based): chr18:23,915,384, A>G. VCF-style: chr18-23915384-A-G. GRCh37 (hg19) VCF-style: chr18-21495348-A-G.
Other names: c.2913A>G, p.Thr971= (NM_000227.6); c.7572A>G, p.Thr2524= (NM_001127717.4); c.2745A>G, p.Thr915= (NM_001127718.4).
Identifiers: ClinVar variation 734769 (VCV000734769.24), dbSNP rs145848988, ClinGen allele CA8916735.